The following is an entry in ClinVar:

ClinVar aggregate classification (germline): Uncertain significance (1 of 4 stars; one submission).

Allele frequency attached by ClinVar (database versions not stated): gnomAD 0.00001; TOPMed 0.00001; ESP Exome Variant Server 0.00008.
gnomAD v4.1: 1 of 1,614,148 alleles (0.000062%); highest among the groups gnomAD compares: Non-Finnish European, 0.000085%; no homozygotes.

Submission:

Ambry Genetics
Classification: Uncertain significance. Last evaluated: 2023-02-10. Review status: criteria provided, single submitter. Criteria: Ambry Variant Classification Scheme 2023. Collection method: clinical testing. Allele origin: germline.
Comment: The p.Q227R variant (also known as c.680A>G), located in coding exon 3 of the ALPK2 gene, results from an A to G substitution at nucleotide position 680. The glutamine at codon 227 is replaced by arginine, an amino acid with highly similar properties. This amino acid position is conserved. In addition, this alteration is predicted to be tolerated by in silico analysis. Since supporting evidence is limited at this time, the clinical significance of this alteration remains unclear.

NM_052947.4(ALPK2):c.680A>G (p.Gln227Arg)

Gene: ALPK2 (alpha kinase 2; minus strand). Cytogenetic location: 18q21.31.
Variant type: single nucleotide variant.
Coding change: c.680A>G on transcript NM_052947.4 (MANE Select); coding-DNA position 680, A replaced by G.
Protein change: p.Gln227Arg; replaces glutamine 227 with arginine.
Molecular consequence: missense variant.
Genome position (GRCh38, 1-based): chr18:58,580,096, T>C on the plus strand (A>G on the coding strand, the complement: ALPK2 is on the minus strand). VCF-style: chr18-58580096-T-C. GRCh37 (hg19) VCF-style: chr18-56247328-T-C.
Other names: short protein forms Q227R.
Identifiers: ClinVar variation 2450655 (VCV002450655.2), dbSNP rs373109036, ClinGen allele CA300927521.